The following is an entry in ClinVar:

NM_032638.5(GATA2):c.1217A>G (p.Lys406Arg)

Gene: GATA2 (GATA binding protein 2; minus strand). Cytogenetic location: 3q21.3.
Variant type: single nucleotide variant.
Coding change: c.1217A>G on transcript NM_032638.5 (MANE Select); coding-DNA position 1217, A replaced by G.
Protein change: p.Lys406Arg; replaces lysine 406 with arginine.
Molecular consequence: missense variant.
Genome position (GRCh38, 1-based): chr3:128,481,245, T>C on the plus strand (A>G on the coding strand, the complement: GATA2 is on the minus strand). VCF-style: chr3-128481245-T-C. GRCh37 (hg19) VCF-style: chr3-128200088-T-C.
Other names: c.1217A>G, p.Lys406Arg (NM_001145661.2); c.1175A>G, p.Lys392Arg (NM_001145662.1); c.1217A>G (NM_032638.4); short protein forms K392R, K406R.
Identifiers: ClinVar variation 1056678 (VCV001056678.8), dbSNP rs756096688, ClinGen allele CA354413118.
Genomic context (GRCh38, chr3:128,481,245, plus strand): 5'-GATGACTTCTCCTGCATGCACTTTGACAGCTCCTCGAAGCACTCCGCCCCTTTCTTGCTC[T>C]TCTTGGACTTGTTGGACATCTTCCGGTTCCGAGTCTGGATCCCTTCCTTCTTCATGGTCA-3'
Protein context (NP_116027.2, residues 396-416): RNRKMSNKSK[Lys406Arg]SKKGAECFEE

ClinVar aggregate classification (germline): Uncertain significance. Review status: criteria provided, multiple submitters, no conflicts (2 of 4 stars). 2 submissions from 2 submitters: Uncertain significance (2). Last evaluated 2025-12-07.

Conditions:
Inborn genetic diseases. Identifiers: MedGen C0950123, MeSH D030342.
Deafness-lymphedema-leukemia syndrome. Also called: Emberger syndrome; Lymphedema, primary, with myelodysplasia. Identifiers: Orphanet 3226, MedGen C3279664, MONDO:0013540, OMIM 614038.
Monocytopenia with susceptibility to infections. Also called: MONOCYTOPENIA AND MYCOBACTERIAL INFECTION SYNDROME; MONOCYTOPENIA WITH SUSCEPTIBILITY TO MYCOBACTERIAL, FUNGAL, AND PAPILLOMAVIRUS INFECTIONS AND MYELODYSPLASIA; COMBINED IMMUNODEFICIENCY WITH SUSCEPTIBILITY TO MYCOBACTERIAL, VIRAL, AND FUNGAL INFECTIONS; Dendritic cell, monocyte, B lymphocyte, and natural killer lymphocyte deficiency; IMMUNODEFICIENCY 21; GATA2 DEFICIENCY. Identifiers: Orphanet 228423, MedGen C3280030, MONDO:0013607, OMIM 614172.

Submissions (2):

Ambry Genetics
Classification: Uncertain significance for Inborn genetic diseases. Last evaluated: 2025-12-07. Review status: criteria provided, single submitter. Criteria: Ambry Variant Classification Scheme 2023. Collection method: clinical testing. Allele origin: germline.
Comment: The p.K406R variant (also known as c.1217A>G), located in coding exon 5 of the GATA2 gene, results from an A to G substitution at nucleotide position 1217. The lysine at codon 406 is replaced by arginine, an amino acid with highly similar properties. This amino acid position is conserved. In addition, the in silico prediction for this alteration is inconclusive. Based on the available evidence, the clinical significance of this variant remains unclear.

Labcorp Genetics (formerly Invitae), Labcorp
Classification: Uncertain significance for Monocytopenia with susceptibility to infections; Deafness-lymphedema-leukemia syndrome. Last evaluated: 2022-07-26. Review status: criteria provided, single submitter. Criteria: Invitae Variant Classification Sherloc (09022015). Collection method: clinical testing. Allele origin: germline.
Comment: In summary, the available evidence is currently insufficient to determine the role of this variant in disease. Therefore, it has been classified as a Variant of Uncertain Significance. Algorithms developed to predict the effect of missense changes on protein structure and function are either unavailable or do not agree on the potential impact of this missense change (SIFT: "Tolerated"; PolyPhen-2: "Probably Damaging"; Align-GVGD: "Class C0"). ClinVar contains an entry for this variant (Variation ID: 1056678). This variant has not been reported in the literature in individuals affected with GATA2-related conditions. This variant is not present in population databases (gnomAD no frequency). This sequence change replaces lysine, which is basic and polar, with arginine, which is basic and polar, at codon 406 of the GATA2 protein (p.Lys406Arg).